The following is an entry in ClinVar:

ClinVar aggregate classification (germline): Uncertain significance (1 of 4 stars; one submission).

Conditions:
Hereditary breast ovarian cancer syndrome. Also called: BRCA1- and BRCA2-Associated Hereditary Breast and Ovarian Cancer; Hereditary breast and ovarian cancer syndrome; Hereditary breast and ovarian cancer syndrome (HBOC); Hereditary breast and/or ovarian cancer syndrome; Breast and ovarian cancer; Hereditary breast and ovarian cancer. Identifiers: Orphanet 145, MedGen C0677776, MeSH D061325, MONDO:0003582. Disease mechanism: loss of function.

Submission:

Labcorp Genetics (formerly Invitae), Labcorp
Classification: Uncertain significance for Hereditary breast ovarian cancer syndrome. Last evaluated: 2018-09-03. Review status: criteria provided, single submitter. Criteria: Invitae Variant Classification Sherloc (09022015). Collection method: clinical testing. Allele origin: germline.
Comment: This sequence change replaces glycine with glutamic acid at codon 106 of the BRCA2 protein (p.Gly106Glu). The glycine residue is highly conserved and there is a moderate physicochemical difference between glycine and glutamic acid. This variant is not present in population databases (ExAC no frequency). This variant has not been reported in the literature in individuals with BRCA2-related disease. Algorithms developed to predict the effect of missense changes on protein structure and function are either unavailable or do not agree on the potential impact of this missense change (SIFT: "Deleterious"; PolyPhen-2: "Probably Damaging"; Align-GVGD: "Class C15"). In summary, the available evidence is currently insufficient to determine the role of this variant in disease. Therefore, it has been classified as a Variant of Uncertain Significance.

NM_000059.4(BRCA2):c.317G>A (p.Gly106Glu)

Gene: BRCA2 (BRCA2 DNA repair associated; plus strand). Cytogenetic location: 13q13.1.
Variant type: single nucleotide variant.
Coding change: c.317G>A on transcript NM_000059.4 (MANE Select); coding-DNA position 317, G replaced by A.
Protein change: p.Gly106Glu; replaces glycine 106 with glutamic acid.
Molecular consequence: missense variant.
Genome position (GRCh38, 1-based): chr13:32,325,076, G>A. VCF-style: chr13-32325076-G-A. GRCh37 (hg19) VCF-style: chr13-32899213-G-A.
Other names: short protein forms G106E.
Identifiers: ClinVar variation 658172 (VCV000658172.9), dbSNP rs1593885841, ClinGen allele CA387756469.